The following is an entry in ClinVar:

NM_177438.3(DICER1):c.1264G>A (p.Glu422Lys)

Gene: DICER1 (dicer 1, ribonuclease III; minus strand). Cytogenetic location: 14q32.13.
Variant type: single nucleotide variant.
Coding change: c.1264G>A on transcript NM_177438.3 (MANE Select); coding-DNA position 1264, G replaced by A.
Protein change: p.Glu422Lys; replaces glutamic acid 422 with lysine.
Molecular consequence: missense variant.
Genome position (GRCh38, 1-based): chr14:95,124,308, C>T on the plus strand (G>A on the coding strand, the complement: DICER1 is on the minus strand). VCF-style: chr14-95124308-C-T. GRCh37 (hg19) VCF-style: chr14-95590645-C-T.
Other names: c.1264G>A, p.Glu422Lys (NM_001195573.1, NM_001271282.3, NM_001291628.2 and 1 more transcripts); short protein forms E422K.
Identifiers: ClinVar variation 580522 (VCV000580522.10), dbSNP rs1566802002, ClinGen allele CA390886432.

ClinVar aggregate classification (germline): Uncertain significance (1 of 4 stars; one submission).

Conditions:
DICER1-related tumor predisposition. Also called: DICER1 syndrome; DICER1-related pleuropulmonary blastoma cancer predisposition syndrome. Identifiers: Orphanet 284343, MedGen C3839822, MONDO:0100216.

Allele frequency attached by ClinVar (database versions not stated): gnomAD exomes below 0.00001.
gnomAD v4.1: 1 of 1,613,824 alleles (0.000062%); highest among the groups gnomAD compares: Non-Finnish European, 0.000085%; no homozygotes.

Submission:

Labcorp Genetics (formerly Invitae), Labcorp
Classification: Uncertain significance for DICER1-related tumor predisposition. Last evaluated: 2018-05-30. Review status: criteria provided, single submitter. Criteria: Invitae Variant Classification Sherloc (09022015). Collection method: clinical testing. Allele origin: germline.
Comment: This sequence change replaces glutamic acid with lysine at codon 422 of the DICER1 protein (p.Glu422Lys). The glutamic acid residue is highly conserved and there is a small physicochemical difference between glutamic acid and lysine. This variant is not present in population databases (ExAC no frequency). This variant has not been reported in the literature in individuals with DICER1-related disease. Algorithms developed to predict the effect of missense changes on protein structure and function are either unavailable or do not agree on the potential impact of this missense change (SIFT: "Tolerated"; PolyPhen-2: "Probably Damaging"; Align-GVGD: "Class C0"). In summary, the available evidence is currently insufficient to determine the role of this variant in disease. Therefore, it has been classified as a Variant of Uncertain Significance.